The following is an entry in ClinVar:

NM_130384.3(ATRIP):c.111C>T (p.Phe37=)

Genes: ATRIP (ATR interacting protein; plus strand), ATRIP-TREX1 (ATRIP-TREX1 readthrough; plus strand), LOC129936703 (ATAC-STARR-seq lymphoblastoid silent region 14331; plus strand). Cytogenetic location: 3p21.31.
Variant type: single nucleotide variant.
Coding change: c.111C>T on transcript NM_130384.3 (MANE Select); coding-DNA position 111, C replaced by T.
Protein change: p.Phe37=; no amino-acid change (phenylalanine 37 retained).
Molecular consequence: synonymous variant. On other transcripts: non-coding transcript variant (1), intron variant (1).
Genome position (GRCh38, 1-based): chr3:48,446,956, C>T. VCF-style: chr3-48446956-C-T. GRCh37 (hg19) VCF-style: chr3-48488360-C-T.
Other names: c.111C>T (NM_130384.1); c.111C>T, p.Phe37= (NM_032166.4); c.-218+157C>T (NM_001271022.2).
Identifiers: ClinVar variation 789984 (VCV000789984.12), dbSNP rs368960700, ClinGen allele CA2375881.

ClinVar aggregate classification (germline): Benign/Likely benign. Review status: criteria provided, multiple submitters, no conflicts (2 of 4 stars). 3 submissions from 3 submitters: Benign (1); Likely benign (1). 1 of the submissions does not count toward it. Last evaluated 2026-01-12.

Conditions:
ATRIP-related disorder. Also called: ATRIP-related condition.

Allele frequency attached by ClinVar (database versions not stated): gnomAD exomes 0.00068 and 0.00149; ExAC 0.00324; ESP Exome Variant Server 0.00467; gnomAD 0.00712 and 0.00763; TOPMed 0.00809; 1000 Genomes Project 30x 0.01015; 1000 Genomes Project 0.01018.
gnomAD v4.1: 2,080 of 1,537,716 alleles (0.14%); highest among the groups gnomAD compares: African/African-American, 2.5%; 24 homozygotes.

Submissions (3):

Labcorp Genetics (formerly Invitae), Labcorp
Classification: Benign. Last evaluated: 2026-01-12. Review status: criteria provided, single submitter. Criteria: Invitae Variant Classification Sherloc (09022015). Collection method: clinical testing. Allele origin: germline.

Ambry Genetics
Classification: Likely benign. Last evaluated: 2024-08-21. Review status: criteria provided, single submitter. Criteria: Ambry Variant Classification Scheme 2023. Collection method: clinical testing. Allele origin: germline.

PreventionGenetics, part of Exact Sciences
Classification: Benign for ATRIP-related condition. Last evaluated: 2019-02-18. Review status: no assertion criteria provided. Collection method: clinical testing. Allele origin: germline. Not counted in ClinVar's aggregate classification.
Comment: This variant is classified as benign based on ACMG/AMP sequence variant interpretation guidelines (Richards et al. 2015 PMID: 25741868, with internal and published modifications).